The following is an entry in ClinVar:

NM_005751.5(AKAP9):c.6925A>C (p.Lys2309Gln)

Gene: AKAP9 (A-kinase anchoring protein 9; plus strand). Cytogenetic location: 7q21.2.
Variant type: single nucleotide variant.
Coding change: c.6925A>C on transcript NM_005751.5 (MANE Select); coding-DNA position 6925, A replaced by C.
Protein change: p.Lys2309Gln; replaces lysine 2309 with glutamine.
Molecular consequence: missense variant.
Genome position (GRCh38, 1-based): chr7:92,077,855, A>C. VCF-style: chr7-92077855-A-C. GRCh37 (hg19) VCF-style: chr7-91707169-A-C.
Other names: c.1570A>C, p.Lys524Gln (NM_001379277.1); c.6901A>C, p.Lys2301Gln (NM_147185.3); short protein forms K2301Q, K2309Q, K524Q.
Identifiers: ClinVar variation 3724337 (VCV003724337.3).

ClinVar aggregate classification (germline): Uncertain significance. Review status: criteria provided, multiple submitters, no conflicts (2 of 4 stars). 2 submissions from 2 submitters: Uncertain significance (2). Last evaluated 2025-07-21.

Conditions:
Long QT syndrome (LQTS). Identifiers: MedGen C0023976, MeSH D008133, MONDO:0002442. Disease mechanism: loss of function. Inheritance: Various modes of inheritance.
Cardiovascular phenotype. Identifiers: MedGen CN230736.

gnomAD v4.1: 3 of 1,613,146 alleles (0.00019%); highest among the groups gnomAD compares: African/African-American, 0.004%; no homozygotes.

Submissions (2):

Ambry Genetics
Classification: Uncertain significance for Cardiovascular phenotype. Last evaluated: 2025-07-21. Review status: criteria provided, single submitter. Criteria: Ambry Variant Classification Scheme 2023. Collection method: clinical testing. Allele origin: germline.
Comment: The p.K2309Q variant (also known as c.6925A>C), located in coding exon 30 of the AKAP9 gene, results from an A to C substitution at nucleotide position 6925. The lysine at codon 2309 is replaced by glutamine, an amino acid with similar properties. This amino acid position is conserved. In addition, this alteration is predicted to be tolerated by in silico analysis. Based on the available evidence, the clinical significance of this variant remains unclear.

Labcorp Genetics (formerly Invitae), Labcorp
Classification: Uncertain significance for Long QT syndrome. Last evaluated: 2024-05-19. Review status: criteria provided, single submitter. Criteria: Invitae Variant Classification Sherloc (09022015). Collection method: clinical testing. Allele origin: germline.
Comment: This sequence change replaces lysine, which is basic and polar, with glutamine, which is neutral and polar, at codon 2309 of the AKAP9 protein (p.Lys2309Gln). This variant is present in population databases (no rsID available, gnomAD 0.007%). This variant has not been reported in the literature in individuals affected with AKAP9-related conditions. An algorithm developed to predict the effect of missense changes on protein structure and function (PolyPhen-2) suggests that this variant is likely to be tolerated. In summary, the available evidence is currently insufficient to determine the role of this variant in disease. Therefore, it has been classified as a Variant of Uncertain Significance.